The following is an entry in ClinVar:

ClinVar aggregate classification (germline): Uncertain significance (1 of 4 stars; one submission).

Conditions:
Popliteal pterygium syndrome (PPS). Identifiers: Orphanet 294963, MedGen C0265259, MONDO:0017435.
Orofacial cleft 6, susceptibility to (OFC6). Also called: CLEFT LIP WITH OR WITHOUT CLEFT PALATE, NONSYNDROMIC, 6. Identifiers: MedGen C1837213, MONDO:0012141, OMIM 608864.
Van der Woude syndrome. Identifiers: Orphanet 888, MedGen C0175697, MONDO:0019508.

Allele frequency attached by ClinVar (database versions not stated): gnomAD exomes below 0.00001; TOPMed below 0.00001; gnomAD 0.00001.
gnomAD v4.1: 3 of 1,614,014 alleles (0.00019%); highest among the groups gnomAD compares: Non-Finnish European, 0.00025%; no homozygotes.

Submission:

Labcorp Genetics (formerly Invitae), Labcorp
Classification: Uncertain significance for Orofacial cleft 6, susceptibility to; Van der Woude syndrome; Popliteal pterygium syndrome. Last evaluated: 2022-09-19. Review status: criteria provided, single submitter. Criteria: Invitae Variant Classification Sherloc (09022015). Collection method: clinical testing. Allele origin: germline.
Comment: In summary, the available evidence is currently insufficient to determine the role of this variant in disease. Therefore, it has been classified as a Variant of Uncertain Significance. Algorithms developed to predict the effect of missense changes on protein structure and function (SIFT, PolyPhen-2, Align-GVGD) all suggest that this variant is likely to be disruptive. This variant has not been reported in the literature in individuals affected with IRF6-related conditions. This variant is not present in population databases (gnomAD no frequency). This sequence change replaces serine, which is neutral and polar, with asparagine, which is neutral and polar, at codon 416 of the IRF6 protein (p.Ser416Asn).

NM_006147.4(IRF6):c.1247G>A (p.Ser416Asn)

Gene: IRF6 (interferon regulatory factor 6; minus strand). Cytogenetic location: 1q32.2.
Variant type: single nucleotide variant.
Coding change: c.1247G>A on transcript NM_006147.4 (MANE Select); coding-DNA position 1247, G replaced by A.
Protein change: p.Ser416Asn; replaces serine 416 with asparagine.
Molecular consequence: missense variant.
Genome position (GRCh38, 1-based): chr1:209,788,577, C>T on the plus strand (G>A on the coding strand, the complement: IRF6 is on the minus strand). VCF-style: chr1-209788577-C-T. GRCh37 (hg19) VCF-style: chr1-209961922-C-T.
Other names: c.962G>A, p.Ser321Asn (NM_001206696.2); short protein forms S321N, S416N.
Identifiers: ClinVar variation 1718314 (VCV001718314.6), dbSNP rs1156568671, ClinGen allele CA344573256.